The following is an entry in ClinVar:

ClinVar aggregate classification (germline): Uncertain significance. Review status: criteria provided, multiple submitters, no conflicts (2 of 4 stars). 2 submissions from 2 submitters: Uncertain significance (2). Last evaluated 2022-09-01.

Conditions:
Hereditary cancer-predisposing syndrome. Also called: Tumor predisposition; Hereditary Cancer Syndrome; Hereditary neoplastic syndrome; Neoplastic Syndromes, Hereditary. Identifiers: Orphanet 140162, MedGen C0027672, MeSH D009386, MONDO:0015356.
Mitochondrial complex II deficiency, nuclear type 1. Also called: SUCCINATE CoQ REDUCTASE DEFICIENCY. Identifiers: Orphanet 3208, MedGen C5700310, MONDO:0100294, OMIM 252011.
Pheochromocytoma/paraganglioma syndrome 5. Also called: Paragangliomas 5; SDHA-Related Hereditary Paraganglioma-Pheochromocytoma Syndrome. Identifiers: Orphanet 29072, MedGen C3279992, MONDO:0013602, OMIM 614165.

Submissions (2):

Labcorp Genetics (formerly Invitae), Labcorp
Classification: Uncertain significance for Pheochromocytoma/paraganglioma syndrome 5; Mitochondrial complex II deficiency, nuclear type 1. Last evaluated: 2022-09-01. Review status: criteria provided, single submitter. Criteria: Invitae Variant Classification Sherloc (09022015). Collection method: clinical testing. Allele origin: germline.
Comment: In summary, the available evidence is currently insufficient to determine the role of this variant in disease. Therefore, it has been classified as a Variant of Uncertain Significance. Advanced modeling of protein sequence and biophysical properties (such as structural, functional, and spatial information, amino acid conservation, physicochemical variation, residue mobility, and thermodynamic stability) performed at Invitae indicates that this missense variant is not expected to disrupt SDHA protein function. This variant has not been reported in the literature in individuals affected with SDHA-related conditions. This variant is not present in population databases (gnomAD no frequency). This sequence change replaces glycine, which is neutral and non-polar, with aspartic acid, which is acidic and polar, at codon 358 of the SDHA protein (p.Gly358Asp).

Ambry Genetics
Classification: Uncertain significance for Hereditary cancer-predisposing syndrome. Last evaluated: 2016-09-15. Review status: criteria provided, single submitter. Criteria: Ambry Variant Classification Scheme 2023. Collection method: clinical testing. Allele origin: germline.
Comment: The p.G358D variant (also known as c.1073G>A), located in coding exon 9 of the SDHA gene, results from a G to A substitution at nucleotide position 1073. The glycine at codon 358 is replaced by aspartic acid, an amino acid with similar properties. This variant was not reported in population based cohorts in the following databases: Database of Single Nucleotide Polymorphisms (dbSNP), NHLBI Exome Sequencing Project (ESP), and 1000 Genomes Project. In the ESP, this variant was not observed in 6503 samples (13006 alleles) with coverage at this position. To date, this alteration has been detected with an allele frequency of approximately 0.005% (greater than 20000 alleles tested) in our clinical cohort. This amino acid position is highly conserved in available vertebrate species. In addition, this alteration is predicted to be deleterious by in silico analysis. Since supporting evidence is limited at this time, the clinical significance of this alteration remains unclear.

NM_004168.4(SDHA):c.1073G>A (p.Gly358Asp)

Gene: SDHA (succinate dehydrogenase complex flavoprotein subunit A; plus strand). Cytogenetic location: 5p15.33.
Variant type: single nucleotide variant.
Coding change: c.1073G>A on transcript NM_004168.4 (MANE Select); coding-DNA position 1073, G replaced by A.
Protein change: p.Gly358Asp; replaces glycine 358 with aspartic acid.
Molecular consequence: missense variant.
Genome position (GRCh38, 1-based): chr5:235,152, G>A. VCF-style: chr5-235152-G-A. GRCh37 (hg19) VCF-style: chr5-235267-G-A.
Other names: c.929G>A, p.Gly310Asp (NM_001294332.2); c.1073G>A, p.Gly358Asp (NM_001330758.2); short protein forms G310D, G358D.
Identifiers: ClinVar variation 1784176 (VCV001784176.7), dbSNP rs1579406184, ClinGen allele CA359013397.